The following is an entry in ClinVar:

ClinVar aggregate classification (germline): Likely benign. Review status: criteria provided, multiple submitters, no conflicts (2 of 4 stars). 2 submissions from 2 submitters: Likely benign (2). Last evaluated 2023-02-01.

Allele frequency attached by ClinVar (database versions not stated): TOPMed below 0.00001.

Submissions (2):

CeGaT Center for Human Genetics Tuebingen
Classification: Likely benign. Last evaluated: 2023-02-01. Review status: criteria provided, single submitter. Criteria: CeGaT Center For Human Genetics Tuebingen Variant Classification Criteria Version 2. Collection method: clinical testing. Allele origin: germline. Affected: yes. Observed: 1 variant allele.
Comment: KMT2D: PM2:Supporting, BP4, BP7

Labcorp Genetics (formerly Invitae), Labcorp
Classification: Likely benign. Last evaluated: 2017-10-02. Review status: criteria provided, single submitter. Criteria: Invitae Variant Classification Sherloc (09022015). Collection method: clinical testing. Allele origin: germline.

NM_003482.4(KMT2D):c.2601C>T (p.Pro867=)

Gene: KMT2D (lysine methyltransferase 2D; minus strand). Cytogenetic location: 12q13.12.
Variant type: single nucleotide variant.
Coding change: c.2601C>T on transcript NM_003482.4 (MANE Select); coding-DNA position 2601, C replaced by T.
Protein change: p.Pro867=; no amino-acid change (proline 867 retained).
Molecular consequence: synonymous variant.
Genome position (GRCh38, 1-based): chr12:49,051,082, G>A on the plus strand (C>T on the coding strand, the complement: KMT2D is on the minus strand). VCF-style: chr12-49051082-G-A. GRCh37 (hg19) VCF-style: chr12-49444865-G-A.
Identifiers: ClinVar variation 714155 (VCV000714155.27), dbSNP rs1592153909, ClinGen allele CA479714113.